The following is an entry in ClinVar:

NM_001939.3(DRP2):c.175C>T (p.Leu59=)

Gene: DRP2 (dystrophin related protein 2; plus strand). Cytogenetic location: Xq22.1.
Variant type: single nucleotide variant.
Coding change: c.175C>T on transcript NM_001939.3 (MANE Select); coding-DNA position 175, C replaced by T.
Protein change: p.Leu59=; no amino-acid change (leucine 59 retained).
Molecular consequence: synonymous variant. On other transcripts: 5 prime UTR variant (1).
Genome position (GRCh38, 1-based): chrX:101,235,917, C>T. VCF-style: chrX-101235917-C-T. GRCh37 (hg19) VCF-style: chrX-100490906-C-T.
Other names: c.-60C>T (NM_001171184.2).
Identifiers: ClinVar variation 1925345 (VCV001925345.29), dbSNP rs765542790, ClinGen allele CA10472022.
Genomic context (GRCh38, chrX:101,235,917, plus strand): 5'-CAGGTTAGAGCTGCTGTCACCAGCCCTGCACCTCCTCAAGATGGTGCTGGGGTTCCCTGC[C>T]TAAGCCTAAAGCTGTTGAACGGGTCTGTTGGTGCCTCTGGACCCCTGGAACCACCAGCCA-3'
Protein context (NP_001930.2, residues 49-69): PPQDGAGVPC[Leu59=]SLKLLNGSVG

ClinVar aggregate classification (germline): Likely benign. Review status: criteria provided, multiple submitters, no conflicts (2 of 4 stars). 2 submissions from 2 submitters: Likely benign (2). Last evaluated 2026-01-13.

Allele frequency attached by ClinVar (database versions not stated): ExAC 0.00001; TOPMed 0.00001; gnomAD exomes 0.00002; gnomAD 0.00003.
gnomAD v4.1: 21 of 1,210,319 alleles (0.0017%); highest among the groups gnomAD compares: Non-Finnish European, 0.0023%; no homozygotes.

Submissions (2):

Labcorp Genetics (formerly Invitae), Labcorp
Classification: Likely benign. Last evaluated: 2026-01-13. Review status: criteria provided, single submitter. Criteria: Invitae Variant Classification Sherloc (09022015). Collection method: clinical testing. Allele origin: germline.

CeGaT Center for Human Genetics Tuebingen
Classification: Likely benign. Last evaluated: 2022-05-01. Review status: criteria provided, single submitter. Criteria: CeGaT Center For Human Genetics Tuebingen Variant Classification Criteria Version 2. Collection method: clinical testing. Allele origin: germline. Affected: yes. Observed: 1 variant allele.
Comment: DRP2: BP4, BP7